The following is an entry in ClinVar:

ClinVar aggregate classification (germline): Uncertain significance (1 of 4 stars; one submission).

Submission:

GeneDx
Classification: Uncertain significance. Last evaluated: 2023-12-29. Review status: criteria provided, single submitter. Criteria: GeneDx Variant Classification Process June 2021. Collection method: clinical testing. Allele origin: germline. Affected: yes.
Comment: Not observed at significant frequency in large population cohorts (gnomAD); In silico analysis supports that this missense variant does not alter protein structure/function; Has not been previously published as pathogenic or benign to our knowledge

NM_003361.4(UMOD):c.86C>A (p.Ala29Glu)

Gene: UMOD (uromodulin; minus strand). Cytogenetic location: 16p12.3.
Variant type: single nucleotide variant.
Coding change: c.86C>A on transcript NM_003361.4 (MANE Select); coding-DNA position 86, C replaced by A.
Protein change: p.Ala29Glu; replaces alanine 29 with glutamic acid.
Molecular consequence: missense variant. On other transcripts: non-coding transcript variant (1).
Genome position (GRCh38, 1-based): chr16:20,350,652, G>T on the plus strand (C>A on the coding strand, the complement: UMOD is on the minus strand). VCF-style: chr16-20350652-G-T. GRCh37 (hg19) VCF-style: chr16-20361974-G-T.
Other names: c.86C>A, p.Ala29Glu (NM_001008389.3, NM_001278614.2, NM_001378232.1 and 4 more transcripts); short protein forms A29E.
Identifiers: ClinVar variation 3370209 (VCV003370209.1).